The following is an entry in ClinVar:

ClinVar aggregate classification (germline): Likely benign (1 of 4 stars; one submission).

Conditions:
LAMA5-related disorder. Also called: LAMA5-related condition; LAMA5-Related Disorders.

gnomAD v4.1: 210 of 1,609,604 alleles (0.013%); highest among the groups gnomAD compares: South Asian, 0.2%; 1 homozygote.

Submission:

PreventionGenetics, part of Exact Sciences
Classification: Likely benign for LAMA5-related condition. Last evaluated: 2024-12-13. Review status: criteria provided, single submitter. Criteria: ACMG Guidelines, 2015. Collection method: clinical testing. Allele origin: germline.
Comment: This variant is classified as likely benign based on ACMG/AMP sequence variant interpretation guidelines (Richards et al. 2015 PMID: 25741868, with internal and published modifications).

NM_005560.6(LAMA5):c.7793G>A (p.Arg2598Gln)

Gene: LAMA5 (laminin subunit alpha 5; minus strand). Cytogenetic location: 20q13.33.
Variant type: single nucleotide variant.
Coding change: c.7793G>A on transcript NM_005560.6 (MANE Select); coding-DNA position 7793, G replaced by A.
Protein change: p.Arg2598Gln; replaces arginine 2598 with glutamine.
Molecular consequence: missense variant.
Genome position (GRCh38, 1-based): chr20:62,316,022, C>T on the plus strand (G>A on the coding strand, the complement: LAMA5 is on the minus strand). VCF-style: chr20-62316022-C-T. GRCh37 (hg19) VCF-style: chr20-60891078-C-T.
Other names: short protein forms R2598Q.
Identifiers: ClinVar variation 4983104 (VCV004983104.1).